The following is an entry in ClinVar:

ClinVar aggregate classification (germline): Pathogenic (0 of 4 stars; one submission).

Conditions:
Breast-ovarian cancer, familial, susceptibility to, 1 (BROVCA1). Also called: OVARIAN CANCER, SUSCEPTIBILITY TO; BRCA1 Hereditary Breast and Ovarian Cancer. Identifiers: Orphanet 145, MedGen C2676676, MONDO:0011450, OMIM 604370. Disease mechanism: loss of function.

Submission:

Institute of Human Genetics, Medical University Innsbruck
Classification: Pathogenic for Breast-ovarian cancer, familial 1. Last evaluated: 2015-02-11. Review status: no assertion criteria provided. Criteria: clinical testing. Collection method: clinical testing. Allele origin: germline. Affected: yes. Study: BRCA-Tyrol.
Comment: BRCA-mutation spectrum Western Austria

NM_007294.4(BRCA1):c.(5193+1_5194-1)_(5277+1_5278-1)del

Gene: BRCA1 (BRCA1 DNA repair associated; minus strand). Cytogenetic location: 17q21.31.
Variant type: Deletion.
Coding change: c.(5193+1_5194-1)_(5277+1_5278-1)del on transcript NM_007294.4; a large deletion whose breakpoints are not mapped to the base.
Other names: c.5194-?_5277+?del (NM_007294.3, LRG_292t1); c.(5193+1_5194-1)_(5277+1_5278-1)del (NM_007294.4).
Identifiers: ClinVar variation 183181 (VCV000183181.3).